The following is an entry in ClinVar:

ClinVar aggregate classification (germline): Uncertain significance (1 of 4 stars; one submission).

Submission:

Labcorp Genetics (formerly Invitae), Labcorp
Classification: Uncertain significance. Last evaluated: 2022-06-03. Review status: criteria provided, single submitter. Criteria: Invitae Variant Classification Sherloc (09022015). Collection method: clinical testing. Allele origin: germline.
Comment: In summary, the available evidence is currently insufficient to determine the role of this variant in disease. Therefore, it has been classified as a Variant of Uncertain Significance. Algorithms developed to predict the effect of missense changes on protein structure and function are either unavailable or do not agree on the potential impact of this missense change (SIFT: "Tolerated"; PolyPhen-2: "Possibly Damaging"; Align-GVGD: "Class C0"). This variant has not been reported in the literature in individuals affected with GPR88-related conditions. This variant is not present in population databases (gnomAD no frequency). This sequence change replaces alanine, which is neutral and non-polar, with threonine, which is neutral and polar, at codon 75 of the GPR88 protein (p.Ala75Thr).

NM_022049.3(GPR88):c.223G>A (p.Ala75Thr)

Gene: GPR88 (G protein-coupled receptor 88; plus strand). Cytogenetic location: 1p21.2.
Variant type: single nucleotide variant.
Coding change: c.223G>A on transcript NM_022049.3 (MANE Select); coding-DNA position 223, G replaced by A.
Protein change: p.Ala75Thr; replaces alanine 75 with threonine.
Molecular consequence: missense variant.
Genome position (GRCh38, 1-based): chr1:100,539,189, G>A. VCF-style: chr1-100539189-G-A. GRCh37 (hg19) VCF-style: chr1-101004745-G-A.
Other names: short protein forms A75T.
Identifiers: ClinVar variation 2095143 (VCV002095143.4), dbSNP rs2524558470, ClinGen allele CA341391361.